The following is an entry in ClinVar:

NM_004006.3(DMD):c.3010A>T (p.Lys1004Ter)

Gene: DMD (dystrophin; minus strand). Cytogenetic location: Xp21.1.
Variant type: single nucleotide variant.
Coding change: c.3010A>T on transcript NM_004006.3 (MANE Select); coding-DNA position 3010, A replaced by T.
Protein change: p.Lys1004Ter; replaces lysine 1004 with a stop codon.
Molecular consequence: nonsense.
Genome position (GRCh38, 1-based): chrX:32,468,650, T>A on the plus strand (A>T on the coding strand, the complement: DMD is on the minus strand). VCF-style: chrX-32468650-T-A. GRCh37 (hg19) VCF-style: chrX-32486767-T-A.
Other names: c.2986A>T, p.Lys996Ter (NM_000109.4); c.2998A>T, p.Lys1000Ter (NM_004009.3); c.2641A>T, p.Lys881Ter (NM_004010.3); short protein forms K1000*, K881*, K996*, K1004*.
Identifiers: ClinVar variation 1399550 (VCV001399550.7), dbSNP rs2148460313, ClinGen allele CA412667065.
Genomic context (GRCh38, chrX:32,468,650, plus strand): 5'-CTTCAAATTCTGATTGATATTTCCGGCTAATTTCAGAGGGCGCTTTCTTCGACATCTCTT[T>A]CACAGTGGTGCTGAGATAGTATAGGCCACTTTGTTGCTCTTGCAGAGAACTTTGTAAAGC-3'

ClinVar aggregate classification (germline): Pathogenic. Review status: criteria provided, multiple submitters, no conflicts (2 of 4 stars). 2 submissions from 2 submitters: Pathogenic (2). Last evaluated 2024-05-08.

Conditions:
Duchenne muscular dystrophy (DMD). Also called: MUSCULAR DYSTROPHY, PSEUDOHYPERTROPHIC PROGRESSIVE, DUCHENNE TYPE; Duchenne Muscular Dystrophy (DMD). Identifiers: Orphanet 98896, MedGen C0013264, MONDO:0010679, OMIM 310200.
Progressive muscular dystrophy. Identifiers: Orphanet 206644, MedGen C4551827, MONDO:0016106.

Submissions (2):

Myriad Genetics, Inc.
Classification: Pathogenic for Progressive muscular dystrophy. Last evaluated: 2024-05-08. Review status: criteria provided, single submitter. Criteria: Myriad Autosomal Dominant, Autosomal Recessive and X-Linked Classification Criteria (2023). Collection method: clinical testing. Allele origin: unknown.
Comment: NM_004006.2(DMD):c.3010A>T(K1004*) is expected to be pathogenic in the context of dystrophinopathy (including Duchenne/Becker muscular dystrophy). This variant is predicted to lead to an abnormal or absent protein product due to the creation of a premature termination codon in DMD, a gene where loss-of-function variants are known to be pathogenic. Please note: this variant was assessed in the context of healthy population screening.

Labcorp Genetics (formerly Invitae), Labcorp
Classification: Pathogenic for Duchenne muscular dystrophy. Last evaluated: 2021-09-23. Review status: criteria provided, single submitter. Criteria: Invitae Variant Classification Sherloc (09022015). Collection method: clinical testing. Allele origin: germline.
Comment: For these reasons, this variant has been classified as Pathogenic. Algorithms developed to predict the effect of sequence changes on RNA splicing suggest that this variant may create or strengthen a splice site. This variant has not been reported in the literature in individuals affected with DMD-related conditions. This variant is not present in population databases (ExAC no frequency). This sequence change creates a premature translational stop signal (p.Lys1004*) in the DMD gene. It is expected to result in an absent or disrupted protein product. Loss-of-function variants in DMD are known to be pathogenic (PMID: 16770791, 25007885).

Literature cited by the submitters: PubMed 16770791 (cited by Labcorp Genetics (formerly Invitae), Labcorp); PubMed 25007885 (cited by Labcorp Genetics (formerly Invitae), Labcorp).